The following is an entry in ClinVar:

NM_014905.5(GLS):c.506G>A (p.Arg169Gln)

Gene: GLS (glutaminase; plus strand). Cytogenetic location: 2q32.2.
Variant type: single nucleotide variant.
Coding change: c.506G>A on transcript NM_014905.5 (MANE Select); coding-DNA position 506, G replaced by A.
Protein change: p.Arg169Gln; replaces arginine 169 with glutamine.
Molecular consequence: missense variant.
Genome position (GRCh38, 1-based): chr2:190,895,626, G>A. VCF-style: chr2-190895626-G-A. GRCh37 (hg19) VCF-style: chr2-191760352-G-A.
Other names: c.506G>A, p.Arg169Gln (NM_001256310.2); short protein forms R169Q.
Identifiers: ClinVar variation 3251045 (VCV003251045.18), dbSNP rs773887348.

ClinVar aggregate classification (germline): Uncertain significance (1 of 4 stars; one submission).

Allele frequency attached by ClinVar (database versions not stated): ExAC 0.00001; gnomAD 0.00003; TOPMed 0.00003.
gnomAD v4.1: 12 of 1,602,518 alleles (0.00075%); highest among the groups gnomAD compares: South Asian, 0.0045%; no homozygotes.

Submission:

CeGaT Center for Human Genetics Tuebingen
Classification: Uncertain significance. Last evaluated: 2024-07-01. Review status: criteria provided, single submitter. Criteria: CeGaT Center For Human Genetics Tuebingen Variant Classification Criteria Version 2. Collection method: clinical testing. Allele origin: germline. Affected: yes. Observed: 2 variant alleles.
Comment: GLS: PM2